The following is an entry in ClinVar:

ClinVar aggregate classification (germline): Pathogenic (1 of 4 stars; one submission).

Submission:

Labcorp Genetics (formerly Invitae), Labcorp
Classification: Pathogenic. Last evaluated: 2023-10-11. Review status: criteria provided, single submitter. Criteria: Invitae Variant Classification Sherloc (09022015). Collection method: clinical testing. Allele origin: germline.
Comment: This sequence change creates a premature translational stop signal (p.Thr205Aspfs*11) in the OTUD6B gene. It is expected to result in an absent or disrupted protein product. Loss-of-function variants in OTUD6B are known to be pathogenic (PMID: 28343629). This variant is not present in population databases (gnomAD no frequency). This variant has not been reported in the literature in individuals affected with OTUD6B-related conditions. ClinVar contains an entry for this variant (Variation ID: 1072997). For these reasons, this variant has been classified as Pathogenic.

Literature cited by the submitters: PubMed 28343629.

NM_016023.5(OTUD6B):c.521dup (p.Thr175fs)

Gene: OTUD6B (OTU deubiquitinase 6B; plus strand). Cytogenetic location: 8q21.3.
Variant type: Duplication.
Coding change: c.521dup on transcript NM_016023.5 (MANE Select); coding-DNA position 521, one base duplicated (T; older notation c.521dupT).
Protein change: p.Thr175fs; shifts the reading frame from threonine 175.
Molecular consequence: frameshift variant.
Genome position (GRCh38, 1-based): chr8:91,078,561, T duplicated. VCF-style (leftmost placement, unchanged base first): chr8-91078560-C-CT. GRCh37 (hg19) VCF-style: chr8-92090788-C-CT.
Other names: c.218dup, p.Thr74fs (NM_001286745.3); short protein forms T175fs, T74fs.
Identifiers: ClinVar variation 1072997 (VCV001072997.7), dbSNP rs2130436818, ClinGen allele CA2499219451.